The following is an entry in ClinVar:

ClinVar aggregate classification (germline): Uncertain significance (1 of 4 stars; one submission).

Submission:

GeneDx
Classification: Uncertain significance. Last evaluated: 2022-06-17. Review status: criteria provided, single submitter. Criteria: GeneDx Variant Classification Process June 2021. Collection method: clinical testing. Allele origin: germline. Affected: yes.
Comment: Not observed at significant frequency in large population cohorts (gnomAD); In silico analysis supports that this missense variant does not alter protein structure/function; Has not been previously published as pathogenic or benign to our knowledge

NM_002430.3(MN1):c.3292G>A (p.Ala1098Thr)

Gene: MN1 (MN1 proto-oncogene, transcriptional regulator; minus strand). Cytogenetic location: 22q12.1.
Variant type: single nucleotide variant.
Coding change: c.3292G>A on transcript NM_002430.3 (MANE Select); coding-DNA position 3292, G replaced by A.
Protein change: p.Ala1098Thr; replaces alanine 1098 with threonine.
Molecular consequence: missense variant.
Genome position (GRCh38, 1-based): chr22:27,797,252, C>T on the plus strand (G>A on the coding strand, the complement: MN1 is on the minus strand). VCF-style: chr22-27797252-C-T. GRCh37 (hg19) VCF-style: chr22-28193240-C-T.
Other names: short protein forms A1098T.
Identifiers: ClinVar variation 1804409 (VCV001804409.1), dbSNP rs1451254445, ClinGen allele CA411042986.